The following is an entry in ClinVar:

NM_000528.4(MAN2B1):c.2524C>T (p.His842Tyr)

Gene: MAN2B1 (mannosidase alpha class 2B member 1; minus strand). Cytogenetic location: 19p13.13.
Variant type: single nucleotide variant.
Coding change: c.2524C>T on transcript NM_000528.4 (MANE Select); coding-DNA position 2524, C replaced by T.
Protein change: p.His842Tyr; replaces histidine 842 with tyrosine.
Molecular consequence: missense variant.
Genome position (GRCh38, 1-based): chr19:12,648,315, G>A on the plus strand (C>T on the coding strand, the complement: MAN2B1 is on the minus strand). VCF-style: chr19-12648315-G-A. GRCh37 (hg19) VCF-style: chr19-12759129-G-A.
Other names: c.2521C>T, p.His841Tyr (NM_001173498.2); short protein forms H842Y, H841Y.
Identifiers: ClinVar variation 1913332 (VCV001913332.2), dbSNP rs1327029675, ClinGen allele CA404240090.
Genomic context (GRCh38, chr19:12,648,315, plus strand): 5'-GCTCCGCCAGGAGCCGGTGTCCGGCGGCTGCAGCCTGGGCTGTGTCCAGCAGCACCAGGT[G>A]GCGCCCTCGCACCCACGCCCCCGACCCGTTCTCCATTAGTGGCTCCGATACTCCGCGTCC-3'
Protein context (NP_000519.2, residues 832-852): NGSGAWVRGR[His842Tyr]LVLLDTAQAA

ClinVar aggregate classification (germline): Uncertain significance (1 of 4 stars; one submission).

Conditions:
Deficiency of alpha-mannosidase (MANSA). Also called: Mannosidosis, alpha-, types I and II; Alpha-Mannosidosis; LYSOSOMAL ALPHA-D-MANNOSIDASE DEFICIENCY. Identifiers: Orphanet 61, MedGen C0024748, MONDO:0009561, OMIM 248500.

Allele frequency attached by ClinVar (database versions not stated): gnomAD exomes below 0.00001; gnomAD 0.00001.
gnomAD v4.1: 2 of 1,613,320 alleles (0.00012%); highest among the groups gnomAD compares: South Asian, 0.0022%; no homozygotes.

Submission:

Labcorp Genetics (formerly Invitae), Labcorp
Classification: Uncertain significance for Deficiency of alpha-mannosidase. Last evaluated: 2022-01-27. Review status: criteria provided, single submitter. Criteria: Invitae Variant Classification Sherloc (09022015). Collection method: clinical testing. Allele origin: germline.
Comment: This sequence change replaces histidine, which is basic and polar, with tyrosine, which is neutral and polar, at codon 842 of the MAN2B1 protein (p.His842Tyr). This variant is present in population databases (no rsID available, gnomAD 0.003%). This variant has not been reported in the literature in individuals affected with MAN2B1-related conditions. Algorithms developed to predict the effect of missense changes on protein structure and function are either unavailable or do not agree on the potential impact of this missense change (SIFT: "Tolerated"; PolyPhen-2: "Probably Damaging"; Align-GVGD: "Class C0"). In summary, the available evidence is currently insufficient to determine the role of this variant in disease. Therefore, it has been classified as a Variant of Uncertain Significance.